The following is an entry in ClinVar:

NM_001953.5(TYMP):c.862G>A (p.Glu288Lys)

Gene: TYMP (thymidine phosphorylase; minus strand). Cytogenetic location: 22q13.33.
Variant type: single nucleotide variant.
Coding change: c.862G>A on transcript NM_001953.5 (MANE Select); coding-DNA position 862, G replaced by A.
Protein change: p.Glu288Lys; replaces glutamic acid 288 with lysine.
Molecular consequence: missense variant.
Genome position (GRCh38, 1-based): chr22:50,526,642, C>T on the plus strand (G>A on the coding strand, the complement: TYMP is on the minus strand). VCF-style: chr22-50526642-C-T. GRCh37 (hg19) VCF-style: chr22-50965071-C-T.
Other names: p.Glu288Lys; c.862G>A, p.Glu288Lys (NM_001257989.1, NM_001113755.3, NM_001113756.3 and 1 more transcripts); c.862G>A (NM_001953.3); short protein forms E288K.
Identifiers: ClinVar variation 1310683 (VCV001310683.9), dbSNP rs755060408, ClinGen allele CA10321547.

ClinVar aggregate classification (germline): Uncertain significance. Review status: criteria provided, multiple submitters, no conflicts (2 of 4 stars). 5 submissions from 5 submitters: Uncertain significance (5). Last evaluated 2025-05-07.

Conditions:
Mitochondrial DNA depletion syndrome 1. Also called: Mitochondrial Neurogastrointestinal Encephalopathy Disease; MITOCHONDRIAL NEUROGASTROINTESTINAL ENCEPHALOPATHY SYNDROME, TYMP-RELATED; MNGIE, TYMP-RELATED; Mitochondrial neurogastrointestinal encephalomyopathy syndrome; Mitochondrial DNA depletion syndrome 1 (MNGIE type); POLIP SYNDROME. Identifiers: Orphanet 298, MedGen C4551995, MONDO:0011283, OMIM 603041.
Inborn genetic diseases. Identifiers: MedGen C0950123, MeSH D030342.

Allele frequency attached by ClinVar (database versions not stated): gnomAD exomes 0.00007; ExAC 0.00051.
gnomAD v4.1: 52 of 1,569,258 alleles (0.0033%); highest among the groups gnomAD compares: South Asian, 0.059%; 1 homozygote.

Submissions (5):

Mayo Clinic Laboratories, Mayo Clinic
Classification: Uncertain significance. Last evaluated: 2025-05-07. Review status: criteria provided, single submitter. Criteria: ACMG Guidelines, 2015. Collection method: clinical testing. Allele origin: germline. Observed: 1 variant allele.

Labcorp Genetics (formerly Invitae), Labcorp
Classification: Uncertain significance. Last evaluated: 2025-04-21. Review status: criteria provided, single submitter. Criteria: Invitae Variant Classification Sherloc (09022015). Collection method: clinical testing. Allele origin: germline.
Comment: This sequence change replaces glutamic acid, which is acidic and polar, with lysine, which is basic and polar, at codon 288 of the TYMP protein (p.Glu288Lys). This variant is present in population databases (rs755060408, gnomAD 0.05%). This variant has not been reported in the literature in individuals affected with TYMP-related conditions. ClinVar contains an entry for this variant (Variation ID: 1310683). Invitae Evidence Modeling of protein sequence and biophysical properties (such as structural, functional, and spatial information, amino acid conservation, physicochemical variation, residue mobility, and thermodynamic stability) indicates that this missense variant is not expected to disrupt TYMP protein function with a negative predictive value of 95%. In summary, the available evidence is currently insufficient to determine the role of this variant in disease. Therefore, it has been classified as a Variant of Uncertain Significance.

Ambry Genetics
Classification: Uncertain significance for Inborn genetic diseases. Last evaluated: 2025-01-01. Review status: criteria provided, single submitter. Criteria: Ambry Variant Classification Scheme 2023. Collection method: clinical testing. Allele origin: germline.

GeneDx
Classification: Uncertain significance. Last evaluated: 2022-07-14. Review status: criteria provided, single submitter. Criteria: GeneDx Variant Classification Process June 2021. Collection method: clinical testing. Allele origin: germline. Affected: yes.
Comment: In silico analysis, which includes protein predictors and evolutionary conservation, supports that this variant does not alter protein structure/function; Has not been previously published as pathogenic or benign to our knowledge

Fulgent Genetics
Classification: Uncertain significance for Mitochondrial DNA depletion syndrome 1. Last evaluated: 2022-02-04. Review status: criteria provided, single submitter. Criteria: ACMG Guidelines, 2015. Collection method: clinical testing. Allele origin: unknown.